The following is an entry in ClinVar:

NM_014780.5(CUL7):c.727_732+18del

Gene: CUL7 (cullin 7; minus strand). Cytogenetic location: 6p21.1.
Variant type: Deletion.
Coding change: c.727_732+18del on transcript NM_014780.5 (MANE Select); coding-DNA position 727 through 18 bases into the intron after coding-DNA position 732, 24 bases deleted (CCACAGGTAACCTTTGGGGGTGTA).
Molecular consequence: splice donor variant.
Genome position (GRCh38, 1-based): chr6:43,051,594-43,051,617, TACACCCCCAAAGGTTACCTGTGG deleted on the plus strand (CCACAGGTAACCTTTGGGGGTGTA on the coding strand, the reverse complement: CUL7 is on the minus strand); deleting any 24 consecutive bases within chr6:43,051,594-43,051,619 gives the same sequence; the c. name uses the placement nearest the transcript's 3' end. VCF-style (leftmost placement, unchanged base first): chr6-43051593-TTACACCCCCAAAGGTTACCTGTGG-T. GRCh37 (hg19) VCF-style: chr6-43019331-TTACACCCCCAAAGGTTACCTGTGG-T.
Other names: c.823_828+18del (NM_001168370.2, NM_001374872.1); c.727_732+18del (NM_001374874.1, NM_001374873.1).
Identifiers: ClinVar variation 3775963 (VCV003775963.1).

ClinVar aggregate classification (germline): Pathogenic (1 of 4 stars; one submission).

Conditions:
3M syndrome 1. Also called: 3-M Syndrome, CUL7-Related. Identifiers: Orphanet 2616, MedGen C2678312, MONDO:0010117, OMIM 273750.

Submission:

3billion
Classification: Pathogenic for 3M syndrome 1. Last evaluated: 2023-10-10. Review status: criteria provided, single submitter. Criteria: ACMG Guidelines, 2015. Collection method: clinical testing. Allele origin: germline. Affected: yes.
Comment: The variant is not observed in the gnomAD v2.1.1 dataset. Predicted Consequence/Location: Canonical splice site: predicted to alter splicing and result in a loss or disruption of normal protein function. Multiple pathogenic loss-of-function variants are reported downstream of the variant. Therefore, this variant is classified as Pathogenic according to the recommendation of ACMG/AMP guideline.